The following is an entry in ClinVar:

ClinVar aggregate classification (germline): Benign/Likely benign. Review status: criteria provided, multiple submitters, no conflicts (2 of 4 stars). 4 submissions from 4 submitters: Benign (3); Likely benign (1). Last evaluated 2025-12-28.

Conditions:
Dermatofibrosis lenticularis disseminata (BOS). Also called: DERMATOFIBROSIS LENTICULARIS DISSEMINATA WITH OSTEOPOIKILOSIS; DERMATOOSTEOPOIKILOSIS; OSTEOPATHIA CONDENSANS DISSEMINATA. Identifiers: Orphanet 1306, MedGen C0265514, MONDO:0008157, OMIM 166700.

Allele frequency attached by ClinVar (database versions not stated): 1000 Genomes Project 0.00180; 1000 Genomes Project 30x 0.00187; gnomAD 0.00205; TOPMed 0.00235; ESP Exome Variant Server 0.00315.
gnomAD v4.1: 633 of 1,558,958 alleles (0.041%); highest among the groups gnomAD compares: African/African-American, 0.77%; 2 homozygotes.

Submissions (4):

Labcorp Genetics (formerly Invitae), Labcorp
Classification: Benign. Last evaluated: 2025-12-28. Review status: criteria provided, single submitter. Criteria: Invitae Variant Classification Sherloc (09022015). Collection method: clinical testing. Allele origin: germline.

Blueprint Genetics
Classification: Likely benign. Last evaluated: 2023-12-13. Review status: criteria provided, single submitter. Criteria: ACMG Guidelines, 2015. Collection method: clinical testing. Allele origin: germline.

Illumina Laboratory Services, Illumina
Classification: Benign for Dermatofibrosis lenticularis disseminata. Last evaluated: 2018-01-13. Review status: criteria provided, single submitter. Criteria: ICSL Variant Classification Criteria 13 December 2019. Collection method: clinical testing. Allele origin: germline.
Comment: This variant was observed in the ICSL laboratory as part of a predisposition screen in an ostensibly healthy population. It had not been previously curated by ICSL or reported in the Human Gene Mutation Database (HGMD: prior to June 1st, 2018), and was therefore a candidate for classification through an automated scoring system. Utilizing variant allele frequency, disease prevalence and penetrance estimates, and inheritance mode, an automated score was calculated to assess if this variant is too frequent to cause the disease. Based on the score and internal cut-off values, a variant classified as benign is not then subjected to further curation. The score for this variant resulted in a classification of benign for this disease.

Eurofins Ntd Llc (ga)
Classification: Benign. Last evaluated: 2015-10-30. Review status: criteria provided, single submitter. Criteria: EGL Classification Definitions 2015. Collection method: clinical testing. Allele origin: germline. Observed: 1 variant allele, 1 heterozygote.

NM_014319.5(LEMD3):c.1560+10C>T

Gene: LEMD3 (LEM domain containing 3; plus strand). Cytogenetic location: 12q14.3.
Variant type: single nucleotide variant.
Coding change: c.1560+10C>T on transcript NM_014319.5 (MANE Select); 10 bases into the intron after coding-DNA position 1560, C replaced by T.
Molecular consequence: intron variant.
Genome position (GRCh38, 1-based): chr12:65,210,973, C>T. VCF-style: chr12-65210973-C-T. GRCh37 (hg19) VCF-style: chr12-65604753-C-T.
Other names: c.1557+10C>T (NM_001167614.2).
Identifiers: ClinVar variation 284212 (VCV000284212.19), dbSNP rs144815611, ClinGen allele CA6670936.
Genomic context (GRCh38, chr12:65,210,973, plus strand): 5'-CCTTCCTTGATAGTAGAAAACCCCTTTGGTGAAACATTTGGAAAAATACAAGTAAGTAAA[C>T]GATCATAATACTGATAATTTTGTGTCATGTTTTATATGATAAAAGCATGAGAATGACTAT-3'